The following is an entry in ClinVar:

NM_000535.7(PMS2):c.2446-8A>T

Gene: PMS2 (PMS1 homolog 2, mismatch repair system component; minus strand). Cytogenetic location: 7p22.1.
Variant type: single nucleotide variant.
Coding change: c.2446-8A>T on transcript NM_000535.7 (MANE Select); 8 bases into the intron before coding-DNA position 2446, A replaced by T.
Molecular consequence: intron variant.
Genome position (GRCh38, 1-based): chr7:5,973,550, T>A on the plus strand (A>T on the coding strand, the complement: PMS2 is on the minus strand). VCF-style: chr7-5973550-T-A. GRCh37 (hg19) VCF-style: chr7-6013181-T-A.
Other names: c.2128-8A>T (NM_001322008.2, NM_001322007.2); c.1885-8A>T (NM_001322010.2); c.2041-8A>T (NM_001322004.2, NM_001322003.2, NM_001322005.2); c.1873-8A>T (NM_001322013.2); c.1513-8A>T (NM_001322012.2, NM_001322011.2); c.2137-8A>T (NM_001322015.2); c.2290-8A>T (NM_001322006.2); c.2479-8A>T (NM_001322014.2); and 1 more.
Identifiers: ClinVar variation 1124742 (VCV001124742.10), dbSNP rs1583270574, ClinGen allele CA1685246687.

ClinVar aggregate classification (germline): Likely benign. Review status: criteria provided, multiple submitters, no conflicts (2 of 4 stars). 2 submissions from 2 submitters: Likely benign (2). Last evaluated 2025-06-22.

Conditions:
Lynch syndrome 4 (LYNCH4). Also called: Colorectal cancer, hereditary nonpolyposis, type 4; Hereditary non-polyposis colorectal cancer, type 4. Identifiers: Orphanet 144, MedGen C1838333, MONDO:0013699, OMIM 614337. Disease mechanism: loss of function.
Hereditary nonpolyposis colorectal neoplasms. Identifiers: MedGen C0009405, MeSH D003123.

Submissions (2):

Labcorp Genetics (formerly Invitae), Labcorp
Classification: Likely benign for Hereditary nonpolyposis colorectal neoplasms. Last evaluated: 2025-06-22. Review status: criteria provided, single submitter. Criteria: Invitae Variant Classification Sherloc (09022015). Collection method: clinical testing. Allele origin: germline.

Myriad Genetics, Inc.
Classification: Likely benign for Lynch syndrome 4. Last evaluated: 2025-02-04. Review status: criteria provided, single submitter. Criteria: Myriad Autosomal Dominant, Autosomal Recessive and X-Linked Classification Criteria (2023). Collection method: clinical testing. Allele origin: unknown.
Comment: This variant is considered likely benign. This variant is intronic and is not expected to impact mRNA splicing.